The following is an entry in ClinVar:

ClinVar aggregate classification (germline): Uncertain significance (1 of 4 stars; one submission).

gnomAD v4.1: 4 of 1,489,050 alleles (0.00027%); highest among the groups gnomAD compares: African/African-American, 0.0044%; no homozygotes.

Submission:

GeneDx
Classification: Uncertain significance. Last evaluated: 2023-06-12. Review status: criteria provided, single submitter. Criteria: GeneDx Variant Classification Process June 2021. Collection method: clinical testing. Allele origin: germline. Affected: yes.
Comment: Not observed at significant frequency in large population cohorts (gnomAD); In silico analysis supports that this missense variant does not alter protein structure/function; Has not been previously published as pathogenic or benign to our knowledge

NM_001374353.1(GLI2):c.2885T>A (p.Leu962Gln)

Gene: GLI2 (GLI family zinc finger 2; plus strand). Cytogenetic location: 2q14.2.
Variant type: single nucleotide variant.
Coding change: c.2885T>A on transcript NM_001374353.1 (MANE Select); coding-DNA position 2885, T replaced by A.
Protein change: p.Leu962Gln; replaces leucine 962 with glutamine.
Molecular consequence: missense variant.
Genome position (GRCh38, 1-based): chr2:120,988,850, T>A. VCF-style: chr2-120988850-T-A. GRCh37 (hg19) VCF-style: chr2-121746426-T-A.
Other names: c.2936T>A, p.Leu979Gln (NM_001371271.1, NM_005270.5); c.2510T>A, p.Leu837Gln (NM_001374354.1); short protein forms L837Q, L962Q, L979Q.
Identifiers: ClinVar variation 3359782 (VCV003359782.1).